The following is an entry in ClinVar:

NM_001931.5(DLAT):c.98G>A (p.Arg33Gln)

Gene: DLAT (dihydrolipoamide S-acetyltransferase; plus strand). Cytogenetic location: 11q23.1.
Variant type: single nucleotide variant.
Coding change: c.98G>A on transcript NM_001931.5 (MANE Select); coding-DNA position 98, G replaced by A.
Protein change: p.Arg33Gln; replaces arginine 33 with glutamine.
Molecular consequence: missense variant. On other transcripts: synonymous variant (2), 5 prime UTR variant (1), non-coding transcript variant (1).
Genome position (GRCh38, 1-based): chr11:112,025,570, G>A. VCF-style: chr11-112025570-G-A. GRCh37 (hg19) VCF-style: chr11-111896294-G-A.
Other names: c.98G>A, p.Arg33Gln (NM_001372031.1, NM_001372032.1, NM_001372033.1 and 6 more transcripts); c.57G>A, p.Thr19= (NM_001372036.1, NM_001372037.1); c.-369G>A (NM_001372042.1); short protein forms R33Q.
Identifiers: ClinVar variation 1479836 (VCV001479836.6), dbSNP rs2137674476, ClinGen allele CA382595065.

ClinVar aggregate classification (germline): Uncertain significance (1 of 4 stars; one submission).

Conditions:
Pyruvate dehydrogenase E2 deficiency (PDHDD). Also called: Dihydrolipoamide Acetyltransferase (E2) Deficiency; LACTIC ACIDEMIA DUE TO DEFECT OF E2 LIPOYL TRANSACETYLASE OF THE PYRUVATE DEHYDROGENASE COMPLEX. Identifiers: Orphanet 765, Orphanet 79244, MedGen C1855565, MONDO:0009502, OMIM 245348.

Allele frequency attached by ClinVar (database versions not stated): gnomAD exomes below 0.00001.
gnomAD v4.1: 1 of 1,614,030 alleles (0.000062%); highest among the groups gnomAD compares: Non-Finnish European, 0.000085%; no homozygotes.

Submission:

Labcorp Genetics (formerly Invitae), Labcorp
Classification: Uncertain significance for Pyruvate dehydrogenase E2 deficiency. Last evaluated: 2022-08-10. Review status: criteria provided, single submitter. Criteria: Invitae Variant Classification Sherloc (09022015). Collection method: clinical testing. Allele origin: germline.
Comment: In summary, the available evidence is currently insufficient to determine the role of this variant in disease. Therefore, it has been classified as a Variant of Uncertain Significance. Advanced modeling of protein sequence and biophysical properties (such as structural, functional, and spatial information, amino acid conservation, physicochemical variation, residue mobility, and thermodynamic stability) performed at Invitae indicates that this missense variant is not expected to disrupt DLAT protein function. ClinVar contains an entry for this variant (Variation ID: 1479836). This variant has not been reported in the literature in individuals affected with DLAT-related conditions. This variant is not present in population databases (gnomAD no frequency). This sequence change replaces arginine, which is basic and polar, with glutamine, which is neutral and polar, at codon 33 of the DLAT protein (p.Arg33Gln).